The following is an entry in ClinVar:

NM_004530.6(MMP2):c.1366G>A (p.Gly456Ser)

Gene: MMP2 (matrix metallopeptidase 2; plus strand). Cytogenetic location: 16q12.2.
Variant type: single nucleotide variant.
Coding change: c.1366G>A on transcript NM_004530.6 (MANE Select); coding-DNA position 1366, G replaced by A.
Protein change: p.Gly456Ser; replaces glycine 456 with serine.
Molecular consequence: missense variant.
Genome position (GRCh38, 1-based): chr16:55,493,187, G>A. VCF-style: chr16-55493187-G-A. GRCh37 (hg19) VCF-style: chr16-55527099-G-A.
Other names: c.1216G>A, p.Gly406Ser (NM_001127891.3); c.1138G>A, p.Gly380Ser (NM_001302508.1, NM_001302509.2, NM_001302510.2); short protein forms G406S, G380S, G456S.
Identifiers: ClinVar variation 4729876 (VCV004729876.1).

ClinVar aggregate classification (germline): Uncertain significance (1 of 4 stars; one submission).

gnomAD v4.1: 167 of 1,613,868 alleles (0.01%); highest among the groups gnomAD compares: African/African-American, 0.031%; no homozygotes.

Submission:

Labcorp Genetics (formerly Invitae), Labcorp
Classification: Uncertain significance. Last evaluated: 2025-09-24. Review status: criteria provided, single submitter. Criteria: Invitae Variant Classification Sherloc (09022015). Collection method: clinical testing. Allele origin: germline.
Comment: This sequence change replaces glycine, which is neutral and non-polar, with serine, which is neutral and polar, at codon 456 of the MMP2 protein (p.Gly456Ser). This variant is present in population databases (rs145192533, gnomAD 0.05%). This variant has not been reported in the literature in individuals affected with MMP2-related conditions. Invitae Evidence Modeling of protein sequence and biophysical properties (such as structural, functional, and spatial information, amino acid conservation, physicochemical variation, residue mobility, and thermodynamic stability) indicates that this missense variant is not expected to disrupt MMP2 protein function with a negative predictive value of 80%. In summary, the available evidence is currently insufficient to determine the role of this variant in disease. Therefore, it has been classified as a Variant of Uncertain Significance.